The following is an entry in ClinVar:

ClinVar aggregate classification (germline): Likely benign (1 of 4 stars; one submission).

Submission:

CeGaT Center for Human Genetics Tuebingen
Classification: Likely benign. Last evaluated: 2026-08-01. Review status: criteria provided, single submitter. Criteria: CeGaT Center For Human Genetics Tuebingen Variant Classification Criteria Version 2. Collection method: clinical testing. Allele origin: germline. Affected: yes. Observed: 1 variant allele.
Comment: CLPP: PM2:Supporting, BP4, BP7

NM_006012.4(CLPP):c.237G>C (p.Leu79=)

Genes: CLPP (caseinolytic mitochondrial matrix peptidase proteolytic subunit; plus strand), LOC130063288 (ATAC-STARR-seq lymphoblastoid silent region 9948; plus strand). Cytogenetic location: 19p13.3.
Variant type: single nucleotide variant.
Coding change: c.237G>C on transcript NM_006012.4 (MANE Select); coding-DNA position 237, G replaced by C.
Protein change: p.Leu79=; no amino-acid change (leucine 79 retained).
Molecular consequence: synonymous variant.
Genome position (GRCh38, 1-based): chr19:6,361,907, G>C. VCF-style: chr19-6361907-G-C. GRCh37 (hg19) VCF-style: chr19-6361918-G-C.
Identifiers: ClinVar variation 5039563 (VCV005039563.1).